The following is an entry in ClinVar:

NM_000179.3(MSH6):c.2494del (p.Pro831_Leu832insTer)

Gene: MSH6 (mutS homolog 6; plus strand). Cytogenetic location: 2p16.3.
Variant type: Deletion.
Coding change: c.2494del on transcript NM_000179.3 (MANE Select); coding-DNA position 2494, one base deleted (C; older notation c.2494delC).
Protein change: p.Pro831_Leu832insTer.
Molecular consequence: nonsense.
Genome position (GRCh38, 1-based): chr2:47,800,477, C deleted; the last of 4 consecutive C bases (chr2:47,800,474-47,800,477); deleting any one gives the same sequence. VCF-style (leftmost placement, unchanged base first): chr2-47800473-TC-T. GRCh37 (hg19) VCF-style: chr2-48027612-TC-T.
Other names: c.2104del, p.Pro701_Leu702insTer (NM_001281492.2); c.1588del, p.Pro529_Leu530insTer (NM_001281493.2, NM_001281494.2); c.2494delC (NM_000179.2).
Identifiers: ClinVar variation 483845 (VCV000483845.5), dbSNP rs1553413844, ClinGen allele CA658655817.
Genomic context (GRCh38, chr2:47,800,473, plus strand): 5'-GCTTCTAAAGAAGCTTCCAGATCTTGAGAGGCTACTCAGTAAAATTCATAATGTTGGGTC[TC>T]CCCTGAAGAGTCAGAACCACCCAGACAGCAGGGCTATAATGTATGAAGAAACTACATACA-3'

ClinVar aggregate classification (germline): Pathogenic (1 of 4 stars; one submission).

Conditions:
Hereditary cancer-predisposing syndrome. Also called: Neoplastic Syndromes, Hereditary; Tumor predisposition; Hereditary Cancer Syndrome; Hereditary neoplastic syndrome. Identifiers: Orphanet 140162, MedGen C0027672, MeSH D009386, MONDO:0015356.

Submission:

Ambry Genetics
Classification: Pathogenic for Hereditary cancer-predisposing syndrome. Last evaluated: 2020-11-23. Review status: criteria provided, single submitter. Criteria: Ambry Variant Classification Scheme 2023. Collection method: clinical testing. Allele origin: germline.
Comment: The c.2494delC pathogenic mutation, located in coding exon 4 of the MSH6 gene, results from a deletion of one nucleotide at nucleotide position 2494, causing a translational frameshift with a predicted alternate stop codon (p.L832*). This alteration is expected to result in loss of function by premature protein truncation or nonsense-mediated mRNA decay. As such, this alteration is interpreted as a disease-causing mutation.